The following is an entry in ClinVar:

NM_000093.5(COL5A1):c.4658C>T (p.Pro1553Leu)

Genes: COL5A1 (collagen type V alpha 1 chain; plus strand), LOC101448202 (uncharacterized LOC101448202; minus strand). Cytogenetic location: 9q34.3.
Variant type: single nucleotide variant.
Coding change: c.4658C>T on transcript NM_000093.5 (MANE Select); coding-DNA position 4658, C replaced by T.
Protein change: p.Pro1553Leu; replaces proline 1553 with leucine.
Molecular consequence: missense variant.
Genome position (GRCh38, 1-based): chr9:134,823,429, C>T. VCF-style: chr9-134823429-C-T. GRCh37 (hg19) VCF-style: chr9-137715275-C-T.
Other names: p.P1553L:CCG>CTG; c.4658C>T, p.Pro1553Leu (NM_001278074.1); short protein forms P1553L.
Identifiers: ClinVar variation 212986 (VCV000212986.28), dbSNP rs530570306, ClinGen allele CA323853.

ClinVar aggregate classification (germline): Conflicting classifications of pathogenicity. Review status: criteria provided, conflicting classifications (1 of 4 stars). 5 submissions from 5 submitters: Uncertain significance (2); Likely benign (3). Last evaluated 2026-01-28.

Conditions:
Ehlers-Danlos syndrome, classic type, 1 (EDSCL1). Also called: Ehlers-Danlos Syndrome, Classic Type, COL5A1-Related; EHLERS-DANLOS SYNDROME, GRAVIS TYPE; EHLERS-DANLOS SYNDROME, SEVERE CLASSIC TYPE; Ehlers-Danlos syndrome, type 1; EDS I. Identifiers: MedGen C0268335, MONDO:0019567, OMIM 130000.
Familial thoracic aortic aneurysm and aortic dissection (TAAD). Also called: Thoracic aortic aneurysms and dissections. Identifiers: Orphanet 91387, MedGen C4707243, MONDO:0019625.

Allele frequency attached by ClinVar (database versions not stated): gnomAD exomes 0.00006 and 0.00014; 1000 Genomes Project 30x 0.00016; 1000 Genomes Project 0.00020; TOPMed 0.00006; gnomAD 0.00007; ExAC 0.00009.
gnomAD v4.1: 98 of 1,614,184 alleles (0.0061%); highest among the groups gnomAD compares: South Asian, 0.014%; no homozygotes.

Submissions (5):

Labcorp Genetics (formerly Invitae), Labcorp
Classification: Likely benign for Ehlers-Danlos syndrome, classic type, 1. Last evaluated: 2026-01-28. Review status: criteria provided, single submitter. Criteria: Invitae Variant Classification Sherloc (09022015). Collection method: clinical testing. Allele origin: germline.

GeneDx
Classification: Uncertain significance. Last evaluated: 2025-07-18. Review status: criteria provided, single submitter. Criteria: GeneDx Variant Classification Process June 2021. Collection method: clinical testing. Allele origin: germline. Affected: yes.
Comment: Has not been previously published as pathogenic or benign to our knowledge; Occurs in the triple helical domain at the X position in the canonical Gly-X-Y repeat; although this variant may have an effect on normal protein folding and function, missense substitution at the X position is not a common mechanism of disease (PMID: 22696272; HGMD); In silico analysis supports that this missense variant has a deleterious effect on protein structure/function; This variant is associated with the following publications: (PMID: 22696272)

Ambry Genetics
Classification: Likely benign for Familial thoracic aortic aneurysm and aortic dissection. Last evaluated: 2025-03-18. Review status: criteria provided, single submitter. Criteria: Ambry Variant Classification Scheme 2023. Collection method: clinical testing. Allele origin: germline.

Women's Health and Genetics/Laboratory Corporation of America, LabCorp
Classification: Likely benign. Last evaluated: 2023-12-10. Review status: criteria provided, single submitter. Criteria: LabCorp Variant Classification Summary - May 2015. Collection method: clinical testing. Allele origin: germline.

Mayo Clinic Laboratories, Mayo Clinic
Classification: Uncertain significance. Last evaluated: 2019-10-14. Review status: criteria provided, single submitter. Criteria: ACMG Guidelines, 2015. Collection method: clinical testing. Allele origin: germline. Observed: 2 variant alleles.